The following is an entry in ClinVar:

ClinVar aggregate classification (germline): Uncertain significance (1 of 4 stars; one submission).

Conditions:
Cardiovascular phenotype. Identifiers: MedGen CN230736.

gnomAD v4.1: 1 of 1,614,084 alleles (0.000062%); no homozygotes.

Submission:

Ambry Genetics
Classification: Uncertain significance for Cardiovascular phenotype. Last evaluated: 2024-11-20. Review status: criteria provided, single submitter. Criteria: Ambry Variant Classification Scheme 2023. Collection method: clinical testing. Allele origin: germline.
Comment: The p.S925N variant (also known as c.2774G>A), located in coding exon 20 of the LAMA4 gene, results from a G to A substitution at nucleotide position 2774. The serine at codon 925 is replaced by asparagine, an amino acid with highly similar properties. This amino acid position is well conserved in available vertebrate species. In addition, this alteration is predicted to be tolerated by in silico analysis. The evidence for this gene-disease relationship is limited; therefore, the clinical significance of this alteration is unclear.

NM_001105206.3(LAMA4):c.2795G>A (p.Ser932Asn)

Genes: LAMA4 (laminin subunit alpha 4; minus strand), LOC126859766 (MED14-independent group 3 enhancer GRCh37_chr6:112462018-112463217; plus strand). Cytogenetic location: 6q21.
Variant type: single nucleotide variant.
Coding change: c.2795G>A on transcript NM_001105206.3 (MANE Select); coding-DNA position 2795, G replaced by A.
Protein change: p.Ser932Asn; replaces serine 932 with asparagine.
Molecular consequence: missense variant.
Genome position (GRCh38, 1-based): chr6:112,141,376, C>T on the plus strand (G>A on the coding strand, the complement: LAMA4 is on the minus strand). VCF-style: chr6-112141376-C-T. GRCh37 (hg19) VCF-style: chr6-112462578-C-T.
Other names: c.2774G>A, p.Ser925Asn (NM_001105207.3, NM_002290.5); short protein forms S925N, S932N.
Identifiers: ClinVar variation 3536971 (VCV003536971.1).